The following is an entry in ClinVar:

NM_001267550.2(TTN):c.65514C>T (p.Thr21838=)

Genes: TTN (titin; minus strand), TTN-AS1 (TTN antisense RNA 1; plus strand). Cytogenetic location: 2q31.2.
Variant type: single nucleotide variant.
Coding change: c.65514C>T on transcript NM_001267550.2 (MANE Select); coding-DNA position 65514, C replaced by T.
Protein change: p.Thr21838=; no amino-acid change (threonine 21838 retained).
Molecular consequence: synonymous variant. On other transcripts: non-coding transcript variant (1).
Genome position (GRCh38, 1-based): chr2:178,583,668, G>A on the plus strand (C>T on the coding strand, the complement: TTN is on the minus strand). VCF-style: chr2-178583668-G-A. GRCh37 (hg19) VCF-style: chr2-179448395-G-A.
Other names: c.60591C>T, p.Thr20197= (NM_001256850.1); c.38319C>T, p.Thr12773= (NM_003319.4); c.57810C>T, p.Thr19270= (NM_133378.4); c.38694C>T, p.Thr12898= (NM_133432.3); c.38895C>T, p.Thr12965= (NM_133437.4).
Identifiers: ClinVar variation 467378 (VCV000467378.34), dbSNP rs372543748, ClinGen allele CA1991691.

ClinVar aggregate classification (germline): Conflicting classifications of pathogenicity. Review status: criteria provided, conflicting classifications (1 of 4 stars). 5 submissions from 5 submitters: Uncertain significance (1); Likely benign (4). Last evaluated 2026-05-01.

Conditions:
Cardiovascular phenotype. Identifiers: MedGen CN230736.
Dilated cardiomyopathy 1G (CMD1G). Identifiers: Orphanet 154, MedGen C1858763, MONDO:0011400, OMIM 604145.
Autosomal recessive limb-girdle muscular dystrophy type 2J (LGMDR10). Also called: Limb-girdle muscular dystrophy, type 2J; MUSCULAR DYSTROPHY, LIMB-GIRDLE, AUTOSOMAL RECESSIVE 10. Identifiers: Orphanet 140922, MedGen C1837342, MONDO:0012127, OMIM 608807.

Allele frequency attached by ClinVar (database versions not stated): gnomAD 0.00001; TOPMed 0.00002; ExAC 0.00005; gnomAD exomes 0.00005.
gnomAD v4.1: 47 of 1,611,962 alleles (0.0029%); highest among the groups gnomAD compares: South Asian, 0.024%; 1 homozygote.

Submissions (5):

CeGaT Center for Human Genetics Tuebingen
Classification: Likely benign. Last evaluated: 2026-05-01. Review status: criteria provided, single submitter. Criteria: CeGaT Center For Human Genetics Tuebingen Variant Classification Criteria Version 2. Collection method: clinical testing. Allele origin: germline. Affected: yes. Observed: 2 variant alleles.
Comment: TTN: BP4, BP7

Labcorp Genetics (formerly Invitae), Labcorp
Classification: Likely benign for Dilated cardiomyopathy 1G; Autosomal recessive limb-girdle muscular dystrophy type 2J. Last evaluated: 2025-08-13. Review status: criteria provided, single submitter. Criteria: Invitae Variant Classification Sherloc (09022015). Collection method: clinical testing. Allele origin: germline.

Ambry Genetics
Classification: Likely benign for Cardiovascular phenotype. Last evaluated: 2023-01-25. Review status: criteria provided, single submitter. Criteria: Ambry Variant Classification Scheme 2023. Collection method: clinical testing. Allele origin: germline.

Eurofins Ntd Llc (ga)
Classification: Uncertain significance. Last evaluated: 2017-10-10. Review status: criteria provided, single submitter. Criteria: EGL Classification Definitions 2015. Collection method: clinical testing. Allele origin: germline. Observed: 3 variant alleles, 3 heterozygotes.

GeneDx
Classification: Likely benign. Last evaluated: 2017-05-25. Review status: criteria provided, single submitter. Criteria: GeneDx Variant Classification (06012015). Collection method: clinical testing. Allele origin: germline. Affected: yes.
Comment: This variant is considered likely benign or benign based on one or more of the following criteria: it is a conservative change, it occurs at a poorly conserved position in the protein, it is predicted to be benign by multiple in silico algorithms, and/or has population frequency not consistent with disease.